The following is an entry in ClinVar:

NM_014334.4(FRRS1L):c.808C>T (p.Gln270Ter)

Gene: FRRS1L (ferric chelate reductase 1 like; minus strand). Cytogenetic location: 9q31.3.
Variant type: single nucleotide variant.
Coding change: c.808C>T on transcript NM_014334.4 (MANE Select); coding-DNA position 808, C replaced by T.
Protein change: p.Gln270Ter; replaces glutamine 270 with a stop codon.
Molecular consequence: nonsense.
Genome position (GRCh38, 1-based): chr9:109,137,529, G>A on the plus strand (C>T on the coding strand, the complement: FRRS1L is on the minus strand). VCF-style: chr9-109137529-G-A. GRCh37 (hg19) VCF-style: chr9-111899809-G-A.
Other names: short protein forms Q321*, Q270*.
Identifiers: ClinVar variation 218151 (VCV000218151.10), dbSNP rs878853280, ClinGen allele CA10575812.

ClinVar aggregate classification (germline): Pathogenic. Review status: criteria provided, multiple submitters, no conflicts (2 of 4 stars). 5 submissions from 5 submitters: Pathogenic (3). 2 of the submissions do not count toward it. Last evaluated 2024-03-14.

Conditions:
Seizure. Also called: Seizures. Identifiers: MedGen C0036572, HP:0001250.
Chorea. Also called: Choreiform movements; Choreatic disease. Identifiers: Orphanet 1429, MedGen C0008489, MONDO:0001595, HP:0002072.
Progressive encephalopathy. Identifiers: MedGen C1838578, HP:0002448.
Developmental and epileptic encephalopathy, 37 (DEE37). Also called: Epileptic encephalopathy, early infantile, 37. Identifiers: MedGen C4310770, MONDO:0014859, OMIM 616981.

Submissions (5):

Genomic Medicine Center of Excellence, King Faisal Specialist Hospital and Research Centre
Classification: Pathogenic for Developmental and epileptic encephalopathy, 37. Last evaluated: 2024-03-14. Review status: criteria provided, single submitter. Criteria: ACMG Guidelines, 2015. Collection method: research. Allele origin: germline.

Revvity Omics, Revvity
Classification: Pathogenic for Developmental and epileptic encephalopathy, 37. Last evaluated: 2021-08-05. Review status: criteria provided, single submitter. Criteria: ACMG Guidelines, 2015. Collection method: clinical testing. Allele origin: germline.

CENTOGENE GmbH and LLC - Guiding Precision Medicine
Classification: Pathogenic for Developmental and epileptic encephalopathy, 37. Review status: criteria provided, single submitter. Criteria: ACMG Guidelines, 2015. Collection method: clinical testing. Allele origin: germline. Affected: yes.

OMIM
Classification: Pathogenic for DEVELOPMENTAL AND EPILEPTIC ENCEPHALOPATHY 37. Last evaluated: 2020-10-23. Review status: no assertion criteria provided. Collection method: literature only. Allele origin: germline. Not counted in ClinVar's aggregate classification.

Kruer lab, Phoenix Children's Hospital
Classification: Pathogenic for Chorea; Seizure; Progressive encephalopathy. Last evaluated: 2015-11-11. Review status: no assertion criteria provided. Collection method: research. Allele origin: inherited. Affected: yes. Observed: 5 variant alleles. Not counted in ClinVar's aggregate classification.
Comment: Leads to loss of protein by immunoblot; leads to impaired co-localization with GluR1 component of AMPA receptor by TIRF; loss of FRRS1L leads to attenuated AMPA currents by electrophysiology

5 members of consanguineous Saudi pedigree; parents heterozygous

Literature cited by the submitters: PubMed 32860008 (cited by CENTOGENE GmbH and LLC - Guiding Precision Medicine); PubMed 27236917 (cited by OMIM and Kruer lab, Phoenix Children's Hospital); PubMed 21147040 (cited by OMIM); PubMed 27239025 (cited by OMIM).